The following is an entry in ClinVar:

ClinVar aggregate classification (germline): Pathogenic. Review status: criteria provided, multiple submitters, no conflicts (2 of 4 stars). 3 submissions from 3 submitters: Pathogenic (3). Last evaluated 2019-07-01.

Conditions:
DICER1-related tumor predisposition. Also called: DICER1 syndrome; DICER1-related pleuropulmonary blastoma cancer predisposition syndrome. Identifiers: Orphanet 284343, MedGen C3839822, MONDO:0100216.

Submissions (3):

Foulkes Cancer Genetics LDI, Lady Davis Institute for Medical Research
Classification: Pathogenic for Pleuropulmonary blastoma. Last evaluated: 2019-07-01. Review status: criteria provided, single submitter. Criteria: ACMG Guidelines, 2015. Collection method: curation. Allele origin: germline. Affected: yes. Observed: 2 variant alleles.
Comment: ACMG criteria met: PVS1, PM2, PP4

PreventionGenetics, part of Exact Sciences
Classification: Pathogenic. Last evaluated: 2017-07-26. Review status: criteria provided, single submitter. Criteria: ACMG Guidelines, 2015. Collection method: clinical testing. Allele origin: germline.

International Pleuropulmonary Blastoma Registry, Children's Hospitals and Clinics of Minnesota
Classification: Pathogenic for Pleuropulmonary blastoma. Last evaluated: 2014-11-10. Review status: criteria provided, single submitter. Criteria: Hill et al. (Science. 2009). Collection method: clinical testing. Allele origin: germline. Affected: yes. Study: PPB-DICER1 Genetic study.

Literature cited by the submitters: PubMed 24909177 (cited by Foulkes Cancer Genetics LDI, Lady Davis Institute for Medical Research); PubMed 26925222 (cited by Foulkes Cancer Genetics LDI, Lady Davis Institute for Medical Research and International Pleuropulmonary Blastoma Registry, Children's Hospitals and Clinics of Minnesota).

NM_177438.3(DICER1):c.3273C>G (p.Tyr1091Ter)

Gene: DICER1 (dicer 1, ribonuclease III; minus strand). Cytogenetic location: 14q32.13.
Variant type: single nucleotide variant.
Coding change: c.3273C>G on transcript NM_177438.3 (MANE Select); coding-DNA position 3273, C replaced by G.
Protein change: p.Tyr1091Ter; replaces tyrosine 1091 with a stop codon.
Molecular consequence: nonsense.
Genome position (GRCh38, 1-based): chr14:95,104,123, G>C on the plus strand (C>G on the coding strand, the complement: DICER1 is on the minus strand). VCF-style: chr14-95104123-G-C. GRCh37 (hg19) VCF-style: chr14-95570460-G-C.
Other names: c.3273C>G, p.Tyr1091Ter (NM_001195573.1, NM_001271282.3, NM_001291628.2 and 1 more transcripts); short protein forms Y1091*.
Identifiers: ClinVar variation 254317 (VCV000254317.6), dbSNP rs886037698, ClinGen allele CA10586433.